The following is an entry in ClinVar:

NM_024426.6(WT1):c.211C>T (p.Pro71Ser)

Genes: WT1 (WT1 transcription factor; minus strand), LOC107982234 (WT1/WT1-AS bi-directional promoter region; plus strand). Cytogenetic location: 11p13.
Variant type: single nucleotide variant.
Coding change: c.211C>T on transcript NM_024426.6 (MANE Select); coding-DNA position 211, C replaced by T.
Protein change: p.Pro71Ser; replaces proline 71 with serine.
Molecular consequence: missense variant. On other transcripts: non-coding transcript variant (1).
Genome position (GRCh38, 1-based): chr11:32,435,150, G>A on the plus strand (C>T on the coding strand, the complement: WT1 is on the minus strand). VCF-style: chr11-32435150-G-A. GRCh37 (hg19) VCF-style: chr11-32456696-G-A.
Other names: c.211C>T, p.Pro71Ser (NM_000378.6, NM_024424.5); c.196C>T (NM_024426.4); short protein forms P71S.
Identifiers: ClinVar variation 1397701 (VCV001397701.9), dbSNP rs1392405207, ClinGen allele CA379966152.

ClinVar aggregate classification (germline): Uncertain significance. Review status: criteria provided, multiple submitters, no conflicts (2 of 4 stars). 2 submissions from 2 submitters: Uncertain significance (2). Last evaluated 2025-08-01.

Conditions:
Frasier syndrome. Identifiers: Orphanet 347, MedGen C0950122, MeSH D052159, MONDO:0007635, OMIM 136680.
Wilms tumor 1 (WT1). Also called: Wilms tumor, somatic. Identifiers: Orphanet 654, MedGen CN033288, MONDO:0008679, OMIM 194070.
Drash syndrome (DDS). Also called: WILMS TUMOR AND PSEUDO- OR TRUE HERMAPHRODITISM; NEPHROPATHY, WILMS TUMOR, AND GENITAL ANOMALIES. Identifiers: Orphanet 220, MedGen C0950121, MONDO:0008682, OMIM 194080.
11p partial monosomy syndrome (WAGR). Also called: WAGR Complex; WAGR Spectrum Disorder; WAGR syndrome; CHROMOSOME 11p13 DELETION SYNDROME. Identifiers: Orphanet 893, MedGen C0206115, MONDO:0008681, OMIM 194072.
Inborn genetic diseases. Identifiers: MedGen C0950123, MeSH D030342.

Submissions (2):

Ambry Genetics
Classification: Uncertain significance for Inborn genetic diseases. Last evaluated: 2025-08-01. Review status: criteria provided, single submitter. Criteria: Ambry Variant Classification Scheme 2023. Collection method: clinical testing. Allele origin: germline.
Comment: The p.P66S variant (also known as c.196C>T), located in coding exon 1 of the WT1 gene, results from a C to T substitution at nucleotide position 196. The proline at codon 66 is replaced by serine, an amino acid with similar properties. This amino acid position is conserved. In addition, this alteration is predicted to be tolerated by in silico analysis. Based on the available evidence, the clinical significance of this variant remains unclear.

Labcorp Genetics (formerly Invitae), Labcorp
Classification: Uncertain significance for Wilms tumor 1; Drash syndrome; 11p partial monosomy syndrome; Frasier syndrome. Last evaluated: 2023-05-10. Review status: criteria provided, single submitter. Criteria: Invitae Variant Classification Sherloc (09022015). Collection method: clinical testing. Allele origin: germline.
Comment: In summary, the available evidence is currently insufficient to determine the role of this variant in disease. Therefore, it has been classified as a Variant of Uncertain Significance. Algorithms developed to predict the effect of missense changes on protein structure and function output the following: SIFT: "Not Available"; PolyPhen-2: "Benign"; Align-GVGD: "Not Available". The serine amino acid residue is found in multiple mammalian species, which suggests that this missense change does not adversely affect protein function. ClinVar contains an entry for this variant (Variation ID: 1397701). This variant has not been reported in the literature in individuals affected with WT1-related conditions. This variant is not present in population databases (gnomAD no frequency). This sequence change replaces proline, which is neutral and non-polar, with serine, which is neutral and polar, at codon 66 of the WT1 protein (p.Pro66Ser).